The following is an entry in ClinVar:

NM_182641.4(BPTF):c.3289A>C (p.Asn1097His)

Gene: BPTF (bromodomain PHD finger transcription factor; plus strand). Cytogenetic location: 17q24.2.
Variant type: single nucleotide variant.
Coding change: c.3289A>C on transcript NM_182641.4 (MANE Select); coding-DNA position 3289, A replaced by C.
Protein change: p.Asn1097His; replaces asparagine 1097 with histidine.
Molecular consequence: missense variant.
Genome position (GRCh38, 1-based): chr17:67,911,173, A>C. VCF-style: chr17-67911173-A-C. GRCh37 (hg19) VCF-style: chr17-65907289-A-C.
Other names: c.3478A>C, p.Asn1160His (NM_001439139.1, NM_001439141.1, NM_001439143.1 and 1 more transcripts); c.3667A>C, p.Asn1223His (NM_001439140.1, NM_001439142.1, NM_004459.7); short protein forms N1160H, N1223H, N1097H.
Identifiers: ClinVar variation 4733223 (VCV004733223.1).

ClinVar aggregate classification (germline): Uncertain significance (1 of 4 stars; one submission).

Submission:

Labcorp Genetics (formerly Invitae), Labcorp
Classification: Uncertain significance. Last evaluated: 2025-12-20. Review status: criteria provided, single submitter. Criteria: Invitae Variant Classification Sherloc (09022015). Collection method: clinical testing. Allele origin: germline.
Comment: This sequence change replaces asparagine, which is neutral and polar, with histidine, which is basic and polar, at codon 1223 of the BPTF protein (p.Asn1223His). This variant is not present in population databases (gnomAD no frequency). This variant has not been reported in the literature in individuals affected with BPTF-related conditions. An algorithm developed to predict the effect of missense changes on protein structure and function (PolyPhen-2) suggests that this variant is likely to be disruptive. In summary, the available evidence is currently insufficient to determine the role of this variant in disease. Therefore, it has been classified as a Variant of Uncertain Significance.